The following is an entry in ClinVar:

ClinVar aggregate classification (germline): Conflicting classifications of pathogenicity. Review status: criteria provided, conflicting classifications (1 of 4 stars). 5 submissions from 5 submitters: Uncertain significance (3); Likely benign (1). 1 of the submissions does not count toward it. Last evaluated 2025-12-30.

Conditions:
OCRL-related disorder. Also called: OCRL-related condition.
Nephrolithiasis/nephrocalcinosis. Identifiers: MedGen CN580796.
Dent disease type 2. Identifiers: Orphanet 1652, Orphanet 93623, MedGen C1845167, MONDO:0010359, OMIM 300555.
Lowe syndrome (OCRL). Also called: PHOSPHATIDYLINOSITOL 4,5-BISPHOSPHATE 5-PHOSPHATASE DEFICIENCY; Oculocerebrorenal Syndrome; LOWE OCULOCEREBRORENAL SYNDROME. Identifiers: Orphanet 534, MedGen C0028860, MONDO:0010645, OMIM 309000.

Allele frequency attached by ClinVar (database versions not stated): ExAC 0.00001; gnomAD exomes 0.00001; gnomAD 0.00014; TOPMed 0.00028.
gnomAD v4.1: 29 of 1,181,416 alleles (0.0025%); highest among the groups gnomAD compares: Admixed American, 0.041%; no homozygotes.

Submissions (5):

Labcorp Genetics (formerly Invitae), Labcorp
Classification: Likely benign for Lowe syndrome. Last evaluated: 2025-12-30. Review status: criteria provided, single submitter. Criteria: Invitae Variant Classification Sherloc (09022015). Collection method: clinical testing. Allele origin: germline.

Ambry Genetics
Classification: Uncertain significance for Nephrolithiasis/nephrocalcinosis. Last evaluated: 2023-02-16. Review status: criteria provided, single submitter. Criteria: Ambry Variant Classification Scheme 2023. Collection method: clinical testing. Allele origin: germline.

Fulgent Genetics
Classification: Uncertain significance for Dent disease type 2; Lowe syndrome. Last evaluated: 2021-10-05. Review status: criteria provided, single submitter. Criteria: ACMG Guidelines, 2015. Collection method: clinical testing. Allele origin: unknown.

Baylor Genetics
Classification: Uncertain significance for Dent disease type 2. Last evaluated: 2020-04-02. Review status: criteria provided, single submitter. Criteria: ACMG Guidelines, 2015. Collection method: clinical testing. Allele origin: unknown. Affected: yes.
Comment: This variant was determined to be of uncertain significance according to ACMG Guidelines, 2015 [PMID:25741868].

PreventionGenetics, part of Exact Sciences
Classification: Uncertain significance for OCRL-related condition. Last evaluated: 2024-01-16. Review status: no assertion criteria provided. Collection method: clinical testing. Allele origin: germline. Not counted in ClinVar's aggregate classification.
Comment: The OCRL c.428C>T variant is predicted to result in the amino acid substitution p.Ser143Phe. To our knowledge, this variant has not been reported in the literature. This variant is reported in 0.0036% of alleles in individuals of Latino descent in gnomAD, including one hemizygous individual. Although we suspect that this variant may be benign, at this time, the clinical significance of this variant is uncertain due to the absence of conclusive functional and genetic evidence.

NM_000276.4(OCRL):c.428C>T (p.Ser143Phe)

Gene: OCRL (OCRL inositol polyphosphate-5-phosphatase; plus strand). Cytogenetic location: Xq26.1.
Variant type: single nucleotide variant.
Coding change: c.428C>T on transcript NM_000276.4 (MANE Select); coding-DNA position 428, C replaced by T.
Protein change: p.Ser143Phe; replaces serine 143 with phenylalanine.
Molecular consequence: missense variant.
Genome position (GRCh38, 1-based): chrX:129,557,939, C>T. VCF-style: chrX-129557939-C-T. GRCh37 (hg19) VCF-style: chrX-128691916-C-T.
Other names: c.431C>T, p.Ser144Phe (NM_001318784.2); c.428C>T, p.Ser143Phe (NM_001587.4); short protein forms S143F, S144F.
Identifiers: ClinVar variation 1028175 (VCV001028175.11), dbSNP rs760751280, ClinGen allele CA10512018.